The following is an entry in ClinVar:

ClinVar aggregate classification (germline): Likely pathogenic (1 of 4 stars; one submission).

Conditions:
Hereditary spastic paraplegia 11. Also called: Spastic paraplegia, mental retardation and thin corpus callosum; Nakamura Osame syndrome; Autosomal recessive hereditary spastic paraplegia, mental impairment, and thin corpus callosum; SPASTIC PARAPLEGIA, AUTOSOMAL RECESSIVE, COMPLICATED, WITH THIN CORPUS CALLOSUM; SPASTIC PARAPLEGIA, AUTOSOMAL RECESSIVE, WITH MENTAL IMPAIRMENT AND THIN CORPUS CALLOSUM; Spastic Paraplegia 11. Identifiers: Orphanet 2822, MedGen C1858479, MONDO:0011445, OMIM 604360.

Submission:

Labcorp Genetics (formerly Invitae), Labcorp
Classification: Likely pathogenic for Hereditary spastic paraplegia 11. Last evaluated: 2019-01-26. Review status: criteria provided, single submitter. Criteria: Invitae Variant Classification Sherloc (09022015). Collection method: clinical testing. Allele origin: germline.
Comment: This variant is a deletion of the genomic region encompassing part of exon 17 (c.3114_3145+45del) of the SPG11 gene. It is expected to disrupt RNA splicing and likely results in an absent or disrupted protein product. This variant has not been reported in the literature in individuals with SPG11-related conditions. Loss-of-function variants in SPG11 are known to be pathogenic (PMID: 19105190, 20110243, 22154821, 26556829). In summary, the currently available evidence indicates that the variant is pathogenic, but additional data are needed to prove that conclusively. Therefore, this variant has been classified as Likely Pathogenic.

Literature cited by the submitters: PubMed 19105190; PubMed 20110243; PubMed 22154821; PubMed 26556829.

NM_025137.4(SPG11):c.3114_3145+45del

Gene: SPG11 (SPG11 vesicle trafficking associated, spatacsin; minus strand). Cytogenetic location: 15q21.1.
Variant type: Deletion.
Coding change: c.3114_3145+45del on transcript NM_025137.4 (MANE Select); coding-DNA position 3114 through 45 bases into the intron after coding-DNA position 3145, 77 bases deleted.
Molecular consequence: splice donor variant.
Genome position (GRCh38, 1-based): chr15:44,613,385-44,613,461, 77 bases deleted. GRCh37 (hg19): chr15:44,905,586-44,905,662.
Other names: c.3114_3145+45del (NM_001160227.2).
Identifiers: ClinVar variation 838616 (VCV000838616.7), dbSNP rs2083509815, ClinGen allele CA916083422.